The following is an entry in ClinVar:

ClinVar aggregate classification (germline): Uncertain significance (1 of 4 stars; one submission).

Conditions:
Mowat-Wilson syndrome (MOWS). Also called: Classic Mowat-Wilson Syndrome. Identifiers: Orphanet 2152, MedGen C1856113, MONDO:0009341, OMIM 235730.

Allele frequency attached by ClinVar (database versions not stated): TOPMed below 0.00001; gnomAD 0.00001.
gnomAD v4.1: 1 of 1,614,040 alleles (0.000062%); highest among the groups gnomAD compares: African/African-American, 0.0013%; no homozygotes.

Submission:

Labcorp Genetics (formerly Invitae), Labcorp
Classification: Uncertain significance for Mowat-Wilson syndrome. Last evaluated: 2025-07-06. Review status: criteria provided, single submitter. Criteria: Invitae Variant Classification Sherloc (09022015). Collection method: clinical testing. Allele origin: germline.
Comment: This sequence change replaces serine, which is neutral and polar, with proline, which is neutral and non-polar, at codon 641 of the ZEB2 protein (p.Ser641Pro). This variant is present in population databases (no rsID available, gnomAD 0.01%). This variant has not been reported in the literature in individuals affected with ZEB2-related conditions. ClinVar contains an entry for this variant (Variation ID: 1498350). Invitae Evidence Modeling of protein sequence and biophysical properties (such as structural, functional, and spatial information, amino acid conservation, physicochemical variation, residue mobility, and thermodynamic stability) indicates that this missense variant is not expected to disrupt ZEB2 protein function with a negative predictive value of 80%. In summary, the available evidence is currently insufficient to determine the role of this variant in disease. Therefore, it has been classified as a Variant of Uncertain Significance.

NM_014795.4(ZEB2):c.1921T>C (p.Ser641Pro)

Gene: ZEB2 (zinc finger E-box binding homeobox 2; minus strand). Cytogenetic location: 2q22.3.
Variant type: single nucleotide variant.
Coding change: c.1921T>C on transcript NM_014795.4 (MANE Select); coding-DNA position 1921, T replaced by C.
Protein change: p.Ser641Pro; replaces serine 641 with proline.
Molecular consequence: missense variant.
Genome position (GRCh38, 1-based): chr2:144,399,266, A>G on the plus strand (T>C on the coding strand, the complement: ZEB2 is on the minus strand). VCF-style: chr2-144399266-A-G. GRCh37 (hg19) VCF-style: chr2-145156833-A-G.
Other names: c.1849T>C, p.Ser617Pro (NM_001171653.2); short protein forms S641P, S617P.
Identifiers: ClinVar variation 1498350 (VCV001498350.8), dbSNP rs1217656752, ClinGen allele CA348709714.
Genomic context (GRCh38, chr2:144,399,266, plus strand): 5'-CTTTGAGTACAGACATGTGGTCCTTGTATGGGTTGATGGGGCTTGTCATTCCTTTCTCAG[A>G]AAGTACAGATGACAAGAGGAGGGCTTTATTATCAACAAAAACTCCGGCTTTGTTGGGGAC-3'
Protein context (NP_055610.1, residues 631-651): NKALLLSSVL[Ser641Pro]EKGMTSPINP